The following is an entry in ClinVar:

NM_012398.3(PIP5K1C):c.1884G>A (p.Ser628=)

Gene: PIP5K1C (phosphatidylinositol-4-phosphate 5-kinase type 1 gamma; minus strand). Cytogenetic location: 19p13.3.
Variant type: single nucleotide variant.
Coding change: c.1884G>A on transcript NM_012398.3 (MANE Select); coding-DNA position 1884, G replaced by A.
Protein change: p.Ser628=; no amino-acid change (serine 628 retained).
Molecular consequence: synonymous variant.
Genome position (GRCh38, 1-based): chr19:3,638,920, C>T on the plus strand (G>A on the coding strand, the complement: PIP5K1C is on the minus strand). VCF-style: chr19-3638920-C-T. GRCh37 (hg19) VCF-style: chr19-3638918-C-T.
Other names: c.1884G>A, p.Ser628= (NM_001195733.2, NM_001300849.2).
Identifiers: ClinVar variation 3042074 (VCV003042074.2), dbSNP rs775223915, ClinGen allele CA9082031.

ClinVar aggregate classification (germline): Likely benign (0 of 4 stars; one submission).

Conditions:
PIP5K1C-related disorder. Also called: PIP5K1C-related condition.

Allele frequency attached by ClinVar (database versions not stated): gnomAD exomes 0.00002; gnomAD 0.00003.
gnomAD v4.1: 29 of 1,612,616 alleles (0.0018%); highest among the groups gnomAD compares: African/African-American, 0.012%; no homozygotes.

Submission:

PreventionGenetics, part of Exact Sciences
Classification: Likely benign for PIP5K1C-related condition. Last evaluated: 2019-10-28. Review status: no assertion criteria provided. Collection method: clinical testing. Allele origin: germline.
Comment: This variant is classified as likely benign based on ACMG/AMP sequence variant interpretation guidelines (Richards et al. 2015 PMID: 25741868, with internal and published modifications).